The following is an entry in ClinVar:

NM_004064.5(CDKN1B):c.523T>C (p.Ser175Pro)

Gene: CDKN1B (cyclin dependent kinase inhibitor 1B; plus strand). Cytogenetic location: 12p13.1.
Variant type: single nucleotide variant.
Coding change: c.523T>C on transcript NM_004064.5 (MANE Select); coding-DNA position 523, T replaced by C.
Protein change: p.Ser175Pro; replaces serine 175 with proline.
Molecular consequence: missense variant.
Genome position (GRCh38, 1-based): chr12:12,718,872, T>C. VCF-style: chr12-12718872-T-C. GRCh37 (hg19) VCF-style: chr12-12871806-T-C.
Other names: short protein forms S175P.
Identifiers: ClinVar variation 469029 (VCV000469029.14), dbSNP rs753943702, ClinGen allele CA383972909.
Genomic context (GRCh38, chr12:12,718,872, plus strand): 5'-CCCCTGCGCTTAGATTCTTCTACTCAAAACAAAAGAGCCAACAGAACAGAAGAAAATGTT[T>C]CAGACGGTTCCCCAAATGCCGGTTCTGTGGAGCAGACGCCCAAGAAGCCTGGCCTCAGAA-3'
Protein context (NP_004055.1, residues 165-185): KRANRTEENV[Ser175Pro]DGSPNAGSVE

ClinVar aggregate classification (germline): Uncertain significance. Review status: criteria provided, multiple submitters, no conflicts (2 of 4 stars). 4 submissions from 4 submitters: Uncertain significance (4). Last evaluated 2026-01-13.

Conditions:
Hereditary cancer-predisposing syndrome. Also called: Hereditary neoplastic syndrome; Neoplastic Syndromes, Hereditary; Tumor predisposition; Hereditary Cancer Syndrome. Identifiers: Orphanet 140162, MedGen C0027672, MeSH D009386, MONDO:0015356.
Multiple endocrine neoplasia type 4. Also called: MULTIPLE ENDOCRINE NEOPLASIA, TYPE IV. Identifiers: Orphanet 276152, MedGen C1970712, MONDO:0012552, OMIM 610755.

Allele frequency attached by ClinVar (database versions not stated): TOPMed 0.00001.
gnomAD v4.1: 4 of 1,614,172 alleles (0.00025%); highest among the groups gnomAD compares: African/African-American, 0.0013%; no homozygotes.

Submissions (4):

Labcorp Genetics (formerly Invitae), Labcorp
Classification: Uncertain significance for Multiple endocrine neoplasia type 4. Last evaluated: 2026-01-13. Review status: criteria provided, single submitter. Criteria: Invitae Variant Classification Sherloc (09022015). Collection method: clinical testing. Allele origin: germline.
Comment: This sequence change replaces serine, which is neutral and polar, with proline, which is neutral and non-polar, at codon 175 of the CDKN1B protein (p.Ser175Pro). This variant is present in population databases (no rsID available, gnomAD 0.007%). This variant has not been reported in the literature in individuals affected with CDKN1B-related conditions. ClinVar contains an entry for this variant (Variation ID: 469029). An algorithm developed to predict the effect of missense changes on protein structure and function (PolyPhen-2) suggests that this variant is likely to be tolerated. In summary, the available evidence is currently insufficient to determine the role of this variant in disease. Therefore, it has been classified as a Variant of Uncertain Significance.

Ambry Genetics
Classification: Uncertain significance for Hereditary cancer-predisposing syndrome. Last evaluated: 2024-12-22. Review status: criteria provided, single submitter. Criteria: Ambry Variant Classification Scheme 2023. Collection method: clinical testing. Allele origin: germline.

GeneDx
Classification: Uncertain significance. Last evaluated: 2024-05-14. Review status: criteria provided, single submitter. Criteria: GeneDx Variant Classification Process June 2021. Collection method: clinical testing. Allele origin: germline. Affected: yes.
Comment: Not observed at significant frequency in large population cohorts (gnomAD); In silico analysis indicates that this missense variant does not alter protein structure/function; Has not been previously published as pathogenic or benign to our knowledge

Baylor Genetics
Classification: Uncertain significance for Multiple endocrine neoplasia type 4. Last evaluated: 2023-10-08. Review status: criteria provided, single submitter. Criteria: ACMG Guidelines, 2015. Collection method: clinical testing. Allele origin: unknown.